The following is an entry in ClinVar:

ClinVar aggregate classification (germline): Uncertain significance (1 of 4 stars; one submission).

Conditions:
Mucopolysaccharidosis type 6 (MPS6). Also called: N-ACETYLGALACTOSAMINE-4-SULFATASE DEFICIENCY; MPS VI; ARSB DEFICIENCY; ARYLSULFATASE B DEFICIENCY; MPS 6; Maroteaux Lamy syndrome. Identifiers: Orphanet 583, MedGen C0026709, MONDO:0009661, OMIM 253200.

Submission:

Labcorp Genetics (formerly Invitae), Labcorp
Classification: Uncertain significance for Mucopolysaccharidosis type 6. Last evaluated: 2025-12-08. Review status: criteria provided, single submitter. Criteria: Invitae Variant Classification Sherloc (09022015). Collection method: clinical testing. Allele origin: germline.
Comment: This variant, c.88_90dup, results in the insertion of 1 amino acid(s) of the ARSB protein (p.Leu32dup), but otherwise preserves the integrity of the reading frame. This variant is present in population databases (rs756126387, gnomAD 0.02%). This variant has not been reported in the literature in individuals affected with ARSB-related conditions. Experimental studies and prediction algorithms are not available or were not evaluated, and the functional significance of this variant is currently unknown. In summary, the available evidence is currently insufficient to determine the role of this variant in disease. Therefore, it has been classified as a Variant of Uncertain Significance.

NM_000046.5(ARSB):c.76CTG[6] (p.Leu32_Ala33insLeu)

Genes: ARSB (arylsulfatase B; minus strand), LOC129994126 (ATAC-STARR-seq lymphoblastoid silent region 16127; plus strand). Cytogenetic location: 5q14.1.
Variant type: Microsatellite.
Coding change: c.76CTG[6] on transcript NM_000046.5 (MANE Select); six copies in a row of the 3-base unit CTG starting at c.76; the reference has five copies in a row; one copy, 3 bases duplicated.
Protein change: p.Leu32_Ala33insLeu.
Molecular consequence: inframe insertion.
Genome position (GRCh38, 1-based): chr5:78,985,159-78,985,161, CAG duplicated on the plus strand (CTG on the coding strand, the reverse complement: ARSB is on the minus strand); duplicating any 3 consecutive bases within chr5:78,985,159-78,985,174 gives the same sequence; the position shown is the placement nearest the transcript's 3' end. VCF-style (leftmost placement, unchanged base first): chr5-78985158-A-ACAG. GRCh37 (hg19) VCF-style: chr5-78280981-A-ACAG.
Other names: c.76CTG[6], p.Leu32_Ala33insLeu (NM_198709.3).
Identifiers: ClinVar variation 2058315 (VCV002058315.3), dbSNP rs752671202, ClinGen allele CA3318363.